The following is an entry in ClinVar:

NM_006180.6(NTRK2):c.2000C>T (p.Ser667Leu)

Gene: NTRK2 (neurotrophic receptor tyrosine kinase 2; plus strand). Cytogenetic location: 9q21.33.
Variant type: single nucleotide variant.
Coding change: c.2000C>T on transcript NM_006180.6 (MANE Select); coding-DNA position 2000, C replaced by T.
Protein change: p.Ser667Leu; replaces serine 667 with leucine.
Molecular consequence: missense variant.
Genome position (GRCh38, 1-based): chr9:84,955,345, C>T. VCF-style: chr9-84955345-C-T. GRCh37 (hg19) VCF-style: chr9-87570260-C-T.
Other names: c.1952C>T, p.Ser651Leu (NM_001018064.3, NM_001369532.1, NM_001369533.1); c.1916C>T, p.Ser639Leu (NM_001369534.1); c.1484C>T, p.Ser495Leu (NM_001369535.1); c.1532C>T, p.Ser511Leu (NM_001369536.1); short protein forms S639L, S667L, S495L, S511L, S651L.
Identifiers: ClinVar variation 1387114 (VCV001387114.6), dbSNP rs777251032, ClinGen allele CA5105901.

ClinVar aggregate classification (germline): Uncertain significance (1 of 4 stars; one submission).

Allele frequency attached by ClinVar (database versions not stated): gnomAD exomes below 0.00001 and 0.00001; TOPMed 0.00001; ExAC 0.00002.
gnomAD v4.1: 12 of 1,612,972 alleles (0.00074%); highest among the groups gnomAD compares: South Asian, 0.0088%; no homozygotes.

Submission:

Labcorp Genetics (formerly Invitae), Labcorp
Classification: Uncertain significance. Last evaluated: 2024-10-07. Review status: criteria provided, single submitter. Criteria: Invitae Variant Classification Sherloc (09022015). Collection method: clinical testing. Allele origin: germline.
Comment: This sequence change replaces serine, which is neutral and polar, with leucine, which is neutral and non-polar, at codon 667 of the NTRK2 protein (p.Ser667Leu). This variant is present in population databases (rs777251032, gnomAD 0.003%). This variant has not been reported in the literature in individuals affected with NTRK2-related conditions. ClinVar contains an entry for this variant (Variation ID: 1387114). Invitae Evidence Modeling of protein sequence and biophysical properties (such as structural, functional, and spatial information, amino acid conservation, physicochemical variation, residue mobility, and thermodynamic stability) indicates that this missense variant is not expected to disrupt NTRK2 protein function with a negative predictive value of 80%. In summary, the available evidence is currently insufficient to determine the role of this variant in disease. Therefore, it has been classified as a Variant of Uncertain Significance.